The following is an entry in ClinVar:

NM_022455.5(NSD1):c.7576C>T (p.Pro2526Ser)

Gene: NSD1 (nuclear receptor binding SET domain protein 1; plus strand). Cytogenetic location: 5q35.3.
Variant type: single nucleotide variant.
Coding change: c.7576C>T on transcript NM_022455.5 (MANE Select); coding-DNA position 7576, C replaced by T.
Protein change: p.Pro2526Ser; replaces proline 2526 with serine.
Molecular consequence: missense variant.
Genome position (GRCh38, 1-based): chr5:177,294,944, C>T. VCF-style: chr5-177294944-C-T. GRCh37 (hg19) VCF-style: chr5-176721945-C-T.
Other names: c.6703C>T, p.Pro2235Ser (NM_001409308.1, NM_172349.5, NM_001365684.2); c.6454C>T, p.Pro2152Ser (NM_001409309.1); c.7576C>T, p.Pro2526Ser (NM_001409301.1, NM_001409302.1, NM_001409303.1); c.7156C>T, p.Pro2386Ser (NM_001409304.1); c.6823C>T, p.Pro2275Ser (NM_001409305.1); c.6814C>T, p.Pro2272Ser (NM_001409306.1, NM_001409307.1); short protein forms P2257S, P2152S, P2235S, P2386S, P2272S, P2275S.
Identifiers: ClinVar variation 96077 (VCV000096077.26), dbSNP rs373932824, ClinGen allele CA223709.

ClinVar aggregate classification (germline): Conflicting classifications of pathogenicity. Review status: criteria provided, conflicting classifications (1 of 4 stars). 10 submissions from 10 submitters: Uncertain significance (3); Benign (1); Likely benign (5). 1 of the submissions does not count toward it. Last evaluated 2026-01-05.

Conditions:
Sotos syndrome (SOTOS). Also called: Distinctive facial appearance, overgrowth in childhood, and learning disabilities or delayed development; SOTOS SYNDROME 1; Sotos' syndrome; CEREBRAL GIGANTISM; CHROMOSOME 5q35 DELETION SYNDROME. Identifiers: Orphanet 821, MedGen C0175695, MONDO:0019349, OMIM 117550.
Inborn genetic diseases. Identifiers: MedGen C0950123, MeSH D030342.
Beckwith-Wiedemann syndrome (BWS). Also called: Exomphalos macroglossia gigantism syndrome; EMG SYNDROME. Identifiers: Orphanet 116, MedGen C0004903, MONDO:0007534, OMIM 130650.

Allele frequency attached by ClinVar (database versions not stated): gnomAD exomes 0.00016; ExAC 0.00017; gnomAD 0.00016; TOPMed 0.00018; ESP Exome Variant Server 0.00038.
gnomAD v4.1: 743 of 1,614,198 alleles (0.046%); highest among the groups gnomAD compares: Non-Finnish European, 0.06%; no homozygotes.

Submissions (10):

Labcorp Genetics (formerly Invitae), Labcorp
Classification: Benign. Last evaluated: 2026-01-05. Review status: criteria provided, single submitter. Criteria: Invitae Variant Classification Sherloc (09022015). Collection method: clinical testing. Allele origin: germline.

Blueprint Genetics
Classification: Likely benign. Last evaluated: 2024-10-24. Review status: criteria provided, single submitter. Criteria: ACMG Guidelines, 2015. Collection method: clinical testing. Allele origin: germline.

Ambry Genetics
Classification: Likely benign for Inborn genetic diseases. Last evaluated: 2022-02-10. Review status: criteria provided, single submitter. Criteria: Ambry Variant Classification Scheme 2023. Collection method: clinical testing. Allele origin: germline.

Genome-Nilou Lab
Classification: Likely benign for Sotos syndrome. Last evaluated: 2021-07-15. Review status: criteria provided, single submitter. Criteria: ACMG Guidelines, 2015. Collection method: clinical testing. Allele origin: germline. Affected: no.

GeneDx
Classification: Likely benign. Last evaluated: 2020-05-14. Review status: criteria provided, single submitter. Criteria: GeneDx Variant Classification Process June 2021. Collection method: clinical testing. Allele origin: germline. Affected: yes.
Comment: This variant is associated with the following publications: (PMID: 15452385, 17565729)

Mendelics
Classification: Uncertain significance for Sotos syndrome. Last evaluated: 2019-05-28. Review status: criteria provided, single submitter. Criteria: Mendelics Assertion Criteria 2017. Collection method: clinical testing. Allele origin: unknown.

Genetic Services Laboratory, University of Chicago
Classification: Likely benign. Last evaluated: 2017-09-22. Review status: criteria provided, single submitter. Criteria: ACMG Guidelines, 2015. Collection method: clinical testing. Allele origin: germline. Affected: no.

Fulgent Genetics
Classification: Uncertain significance for Sotos syndrome; Beckwith-Wiedemann syndrome. Last evaluated: 2017-05-23. Review status: criteria provided, single submitter. Criteria: ACMG Guidelines, 2015. Collection method: clinical testing. Allele origin: unknown.

Eurofins Ntd Llc (ga)
Classification: Uncertain significance. Last evaluated: 2015-07-02. Review status: criteria provided, single submitter. Criteria: EGL Classification Definitions 2015. Collection method: clinical testing. Allele origin: germline. Observed: 7 variant alleles, 7 heterozygotes.

Department of Pathology and Laboratory Medicine, Sinai Health System
Classification: Uncertain significance. Review status: no assertion criteria provided. Collection method: clinical testing. Allele origin: unknown. Affected: yes. Study: The Canadian Open Genetics Repository (COGR). Not counted in ClinVar's aggregate classification.
Comment: The NSD1 p.Pro2526Ser variant was identified in the literature in a mother, daughter and son affected with suspected Sotos syndrome, who all also carried the p.L2081V variant, however the mother's unaffected twin sister did not carry these variants (de Boer_2004_PMID:15452385). The variant was identified in dbSNP (ID: rs373932824), ClinVar (classified as a VUS by EGL Genetics, Fulgent Genetics and Genetic Services Laboratory, University of Chicago) and LOVD 3.0 (classified as likely benign). The variant was also identified in control databases in 46 of 282554 chromosomes at a frequency of 0.0001628 (Genome Aggregation Database March 6, 2019, v2.1.1). The variant was observed in the following populations: European (non-Finnish) in 40 of 128946 chromosomes (freq: 0.00031), Other in 2 of 7220 chromosomes (freq: 0.000277), African in 2 of 24938 chromosomes (freq: 0.00008) and Latino in 2 of 35428 chromosomes (freq: 0.000056), but was not observed in the Ashkenazi Jewish, East Asian, European (Finnish) or South Asian populations. The p.Pro2526 residue is conserved in mammals and computational analyses (PolyPhen-2, SIFT, AlignGVGD, BLOSUM, MutationTaster) provide inconsistent predictions regarding the impact to the protein; this information is not very predictive of pathogenicity. The variant occurs outside of the splicing consensus sequence and in silico or computational prediction software programs (SpliceSiteFinder, MaxEntScan, NNSPLICE, GeneSplicer) do not predict a difference in splicing. In summary, based on the above information the clinical significance of this variant cannot be determined with certainty at this time. This variant is classified as a variant of uncertain significance.